The following is an entry in ClinVar:

ClinVar aggregate classification (germline): Likely pathogenic. Review status: criteria provided, multiple submitters, no conflicts (2 of 4 stars). 2 submissions from 2 submitters: Likely pathogenic (2). Last evaluated 2024-04-15.

Conditions:
Polycystic kidney disease, adult type (PKD1). Also called: Polycystic Kidney, Autosomal Dominant; POLYCYSTIC KIDNEY DISEASE, ADULT, TYPE I; Polycystic Kidney Disease 1, Autosomal Dominant; Polycystic kidney disease 1; Polycystic kidney disease 1, severe; POLYCYSTIC KIDNEY DISEASE 1 WITH OR WITHOUT POLYCYSTIC LIVER DISEASE. Identifiers: MedGen C3149841, MONDO:0008263, OMIM 173900.

Submissions (2):

Fulgent Genetics
Classification: Likely pathogenic for Polycystic kidney disease, adult type. Last evaluated: 2024-04-15. Review status: criteria provided, single submitter. Criteria: ACMG Guidelines, 2015. Collection method: clinical testing. Allele origin: germline.

Juno Genomics, Hangzhou Juno Genomics, Inc
Classification: Likely pathogenic for Polycystic kidney disease, adult type. Review status: criteria provided, single submitter. Criteria: ACMG Guidelines, 2015. Collection method: clinical testing. Allele origin: germline. Affected: yes.
Comment: Absent from controls (or at extremely low frequency if recessive) in Genome Aggregation Database.;Protein length changes due to in-frame deletions/insertions in a non-repeat region or stop-loss variants.;The prevalence of the variant in affected individuals is significantly increased compared to the prevalence in controls.;Patient's phenotype or family history is highly specific for a disease with a single genetic etiology.;Co-segregation with disease in multiple affected family members.

NM_001009944.3(PKD1):c.4981_4983del (p.Asn1661del)

Gene: PKD1 (polycystin 1, transient receptor potential channel interacting; minus strand). Cytogenetic location: 16p13.3.
Variant type: Deletion.
Coding change: c.4981_4983del on transcript NM_001009944.3 (MANE Select); coding-DNA positions 4981 to 4983, 3 bases deleted (AAC; older notation c.4981_4983delAAC).
Protein change: p.Asn1661del; deletes asparagine 1661.
Genome position (GRCh38, 1-based): chr16:2,110,184-2,110,186, GTT deleted on the plus strand (AAC on the coding strand, the reverse complement: PKD1 is on the minus strand); deleting any 3 consecutive bases within chr16:2,110,184-2,110,187 gives the same sequence; the c. name uses the placement nearest the transcript's 3' end. VCF-style (leftmost placement, unchanged base first): chr16-2110183-CGTT-C. GRCh37 (hg19) VCF-style: chr16-2160184-CGTT-C.
Other names: c.4981_4983del, p.Asn1661del (NM_000296.4); short protein forms N1661del.
Identifiers: ClinVar variation 3579472 (VCV003579472.2).